The following is an entry in ClinVar:

NM_007129.5(ZIC2):c.538C>T (p.Arg180Cys)

Gene: ZIC2 (Zic family zinc finger 2; plus strand). Cytogenetic location: 13q32.3.
Variant type: single nucleotide variant.
Coding change: c.538C>T on transcript NM_007129.5 (MANE Select); coding-DNA position 538, C replaced by T.
Protein change: p.Arg180Cys; replaces arginine 180 with cysteine.
Molecular consequence: missense variant.
Genome position (GRCh38, 1-based): chr13:99,982,602, C>T. VCF-style: chr13-99982602-C-T. GRCh37 (hg19) VCF-style: chr13-100634856-C-T.
Other names: short protein forms R180C.
Identifiers: ClinVar variation 4076342 (VCV004076342.3).

ClinVar aggregate classification (germline): Uncertain significance. Review status: criteria provided, multiple submitters, no conflicts (2 of 4 stars). 2 submissions from 2 submitters: Uncertain significance (2). Last evaluated 2025-11-28.

Conditions:
Holoprosencephaly 5 (HPE5). Identifiers: Orphanet 2162, MedGen C1864827, MONDO:0012322, OMIM 609637.

gnomAD v4.1: 2 of 1,581,194 alleles (0.00013%); highest among the groups gnomAD compares: Admixed American, 0.0018%; no homozygotes.

Submissions (2):

Dasa
Classification: Uncertain significance. Last evaluated: 2025-11-28. Review status: criteria provided, single submitter. Criteria: DASA Assertion Criteria. Collection method: clinical testing. Allele origin: germline.
Comment: NM_007129.5(ZIC2):c.538C>T (p.Arg180Cys) is a missense variant that results in the substitution of arginine with cysteine. This variant is rare in population databases. The currently available literature and clinical evidence are not sufficient to establish a definitive association between this variant and the reported condition. Therefore, this variant is classified as a variant of uncertain significance.

Laboratorio de Genetica e Diagnostico Molecular, Hospital Israelita Albert Einstein
Classification: Uncertain significance for Holoprosencephaly 5. Last evaluated: 2023-05-12. Review status: criteria provided, single submitter. Criteria: ACMG Guidelines, 2015. Collection method: clinical testing. Allele origin: germline. Affected: yes.
Comment: ACMG classification criteria: PM2 moderate, PP2 supporting